The following is an entry in ClinVar:

NM_001256545.2(MEGF10):c.218+5T>C

Gene: MEGF10 (multiple EGF like domains 10; plus strand). Cytogenetic location: 5q23.2.
Variant type: single nucleotide variant.
Coding change: c.218+5T>C on transcript NM_001256545.2 (MANE Select); 5 bases into the intron after coding-DNA position 218, T replaced by C.
Molecular consequence: intron variant.
Genome position (GRCh38, 1-based): chr5:127,339,226, T>C. VCF-style: chr5-127339226-T-C. GRCh37 (hg19) VCF-style: chr5-126674918-T-C.
Other names: c.218+5T>C (NM_032446.3, NM_001308119.2, NM_001308121.2).
Identifiers: ClinVar variation 968557 (VCV000968557.6), dbSNP rs373947797, ClinGen allele CA3391195.
Genomic context (GRCh38, chr5:127,339,226, plus strand): 5'-ATTTACTACACGAGCTGCACTGACATTCTAAACTGGTTTAAATGCACGCGGCACAGGTAA[T>C]AGAAGCTCAGGCATGTTTGTGAGTTTGGCTAACTGGGAATAGATTCTAATACAGAGATAT-3'

ClinVar aggregate classification (germline): Uncertain significance (1 of 4 stars; one submission).

Conditions:
MEGF10-related myopathy (CMYO10A). Also called: Congenital myopathy 10A, severe variant. Identifiers: Orphanet 439212, MedGen C3280679, MONDO:0013731, OMIM 614399.

Allele frequency attached by ClinVar (database versions not stated): gnomAD exomes 0.00001; gnomAD 0.00002; TOPMed 0.00002; ExAC 0.00003; ESP Exome Variant Server 0.00008.
gnomAD v4.1: 11 of 1,599,610 alleles (0.00069%); highest among the groups gnomAD compares: African/African-American, 0.0013%; no homozygotes.

Submission:

Labcorp Genetics (formerly Invitae), Labcorp
Classification: Uncertain significance for MEGF10-related myopathy. Last evaluated: 2021-08-30. Review status: criteria provided, single submitter. Criteria: Invitae Variant Classification Sherloc (09022015). Collection method: clinical testing. Allele origin: germline.
Comment: This sequence change falls in intron 4 of the MEGF10 gene. It does not directly change the encoded amino acid sequence of the MEGF10 protein. It affects a nucleotide within the consensus splice site of the intron. This variant is present in population databases (rs373947797, ExAC 0.006%). This variant has not been reported in the literature in individuals affected with MEGF10-related conditions. Variants that disrupt the consensus splice site are a relatively common cause of aberrant splicing (PMID: 17576681, 9536098). Algorithms developed to predict the effect of sequence changes on RNA splicing suggest that this variant is not likely to affect RNA splicing. In summary, the available evidence is currently insufficient to determine the role of this variant in disease. Therefore, it has been classified as a Variant of Uncertain Significance.

Literature cited by the submitters: PubMed 17576681; PubMed 9536098.